The following is an entry in ClinVar:

NM_000548.5(TSC2):c.3270C>T (p.Ser1090=)

Gene: TSC2 (TSC complex subunit 2; plus strand). Cytogenetic location: 16p13.3.
Variant type: single nucleotide variant.
Coding change: c.3270C>T on transcript NM_000548.5 (MANE Select); coding-DNA position 3270, C replaced by T.
Protein change: p.Ser1090=; no amino-acid change (serine 1090 retained).
Molecular consequence: synonymous variant.
Genome position (GRCh38, 1-based): chr16:2,079,414, C>T. VCF-style: chr16-2079414-C-T. GRCh37 (hg19) VCF-style: chr16-2129415-C-T.
Other names: c.2994C>T, p.Ser998= (NM_001318829.2); c.2538C>T, p.Ser846= (NM_001318831.2); c.3171C>T, p.Ser1057= (NM_001318832.2); c.3141C>T, p.Ser1047= (NM_001363528.2, NM_001370405.1, NM_021055.3); c.3138C>T, p.Ser1046= (NM_001370404.1, NM_001077183.3); c.3270C>T, p.Ser1090= (NM_001114382.3); c.3030C>T, p.Ser1010= (NM_001318827.2); c.3270C>T (NM_000548.4).
Identifiers: ClinVar variation 413750 (VCV000413750.31), dbSNP rs754951889, ClinGen allele CA045064.

ClinVar aggregate classification (germline): Conflicting classifications of pathogenicity. Review status: criteria provided, conflicting classifications (1 of 4 stars). 12 submissions from 12 submitters: Uncertain significance (1); Benign (5); Likely benign (5). 1 of the submissions does not count toward it. Last evaluated 2026-01-12.

Conditions:
TSC2-related disorder. Also called: TSC2-related condition; TSC2-Related Disorders.
Hereditary cancer-predisposing syndrome. Also called: Neoplastic Syndromes, Hereditary; Tumor predisposition; Hereditary Cancer Syndrome; Hereditary neoplastic syndrome. Identifiers: Orphanet 140162, MedGen C0027672, MeSH D009386, MONDO:0015356.
Tuberous sclerosis syndrome (TSC). Also called: Tuberous Sclerosis Complex; Tuberous sclerosis. Identifiers: Orphanet 805, MedGen C0041341, MONDO:0001734.
Tuberous sclerosis 2 (TSC2). Identifiers: Orphanet 805, MedGen C1860707, MONDO:0013199, OMIM 613254.

Allele frequency attached by ClinVar (database versions not stated): gnomAD 0.00001 and 0.00002; TOPMed 0.00001; ExAC 0.00003; gnomAD exomes 0.00003.
gnomAD v4.1: 41 of 1,612,634 alleles (0.0025%); highest among the groups gnomAD compares: Middle Eastern, 0.033%; no homozygotes.

Submissions (12):

Labcorp Genetics (formerly Invitae), Labcorp
Classification: Benign for Tuberous sclerosis 2. Last evaluated: 2026-01-12. Review status: criteria provided, single submitter. Criteria: Invitae Variant Classification Sherloc (09022015). Collection method: clinical testing. Allele origin: germline.

Myriad Genetics, Inc.
Classification: Benign for Tuberous sclerosis 2. Last evaluated: 2025-05-28. Review status: criteria provided, single submitter. Criteria: Myriad Autosomal Dominant, Autosomal Recessive and X-Linked Classification Criteria (2023). Collection method: clinical testing. Allele origin: unknown.
Comment: This variant is considered benign. This variant is a silent/synonymous amino acid change and it is not expected to impact splicing.

Quest Diagnostics Nichols Institute San Juan Capistrano
Classification: Benign. Last evaluated: 2024-12-06. Review status: criteria provided, single submitter. Criteria: Quest Diagnostics criteria. Collection method: clinical testing. Allele origin: unknown.

Blueprint Genetics
Classification: Likely benign. Last evaluated: 2024-10-30. Review status: criteria provided, single submitter. Criteria: ACMG Guidelines, 2015. Collection method: clinical testing. Allele origin: germline.

All of Us Research Program, National Institutes of Health
Classification: Likely benign for Tuberous sclerosis syndrome. Last evaluated: 2023-12-18. Review status: criteria provided, single submitter. Criteria: ACMG Guidelines, 2015. Collection method: clinical testing. Allele origin: germline. Inheritance: Autosomal dominant inheritance. Observed: 11 variant alleles, 11 heterozygotes.
Comment: This study involves interpretation of variants in research participants for the purpose of population health screening. Participant phenotype was not available at the time of variant classification. Additional details can be found in publication PMID: 35346344, PMCID: PMC8962531

Color Diagnostics, LLC DBA Color Health
Classification: Likely benign for Tuberous sclerosis syndrome. Last evaluated: 2022-09-30. Review status: criteria provided, single submitter. Criteria: ACMG Guidelines, 2015. Collection method: clinical testing. Allele origin: germline.

Sema4
Classification: Likely benign for Hereditary cancer-predisposing syndrome. Last evaluated: 2021-12-21. Review status: criteria provided, single submitter. Criteria: Sema4 Curation Guidelines. Collection method: curation. Allele origin: germline.

Genome-Nilou Lab
Classification: Benign for Tuberous sclerosis 2. Last evaluated: 2021-11-07. Review status: criteria provided, single submitter. Criteria: ACMG Guidelines, 2015. Collection method: clinical testing. Allele origin: germline. Affected: no.

Eurofins Ntd Llc (ga)
Classification: Uncertain significance. Last evaluated: 2017-10-30. Review status: criteria provided, single submitter. Criteria: EGL Classification Definitions 2015. Collection method: clinical testing. Allele origin: germline. Observed: 1 variant allele, 1 heterozygote.

Ambry Genetics
Classification: Likely benign for Hereditary cancer-predisposing syndrome. Last evaluated: 2016-11-16. Review status: criteria provided, single submitter. Criteria: Ambry Variant Classification Scheme 2023. Collection method: clinical testing. Allele origin: germline.

GeneDx
Classification: Benign. Last evaluated: 2015-03-26. Review status: criteria provided, single submitter. Criteria: GeneDx Variant Classification Process June 2021. Collection method: clinical testing. Allele origin: germline. Affected: yes.

PreventionGenetics, part of Exact Sciences
Classification: Likely benign for TSC2-related condition. Last evaluated: 2019-12-06. Review status: no assertion criteria provided. Collection method: clinical testing. Allele origin: germline. Not counted in ClinVar's aggregate classification.
Comment: This variant is classified as likely benign based on ACMG/AMP sequence variant interpretation guidelines (Richards et al. 2015 PMID: 25741868, with internal and published modifications).